The following is an entry in ClinVar:

NM_001365276.2(TNXB):c.6887C>T (p.Pro2296Leu)

Gene: TNXB (tenascin XB; minus strand). Cytogenetic location: 6p21.33.
Variant type: single nucleotide variant.
Coding change: c.6887C>T on transcript NM_001365276.2 (MANE Select); coding-DNA position 6887, C replaced by T.
Protein change: p.Pro2296Leu; replaces proline 2296 with leucine.
Molecular consequence: missense variant.
Genome position (GRCh38, 1-based): chr6:32,062,438, G>A on the plus strand (C>T on the coding strand, the complement: TNXB is on the minus strand). VCF-style: chr6-32062438-G-A. GRCh37 (hg19) VCF-style: chr6-32030215-G-A.
Other names: c.6887C>T, p.Pro2296Leu (NM_019105.8); short protein forms P2296L.
Identifiers: ClinVar variation 1755969 (VCV001755969.2), dbSNP rs1383032642, ClinGen allele CA363554527.
Genomic context (GRCh38, chr6:32,062,438, plus strand): 5'-GGGGTCGCATCTGTCACGGTCAGCTCCTCCAGGCGAGGCTTGATGGGGGGTTCAGGGGTG[G>A]GAGGTTCTGTCGAGGCTGGGGCCATTTCTTCATCCTTTCCTGGGGCTGCATCAGAAAATA-3'
Protein context (NP_001352205.1, residues 2286-2306): EEMAPASTEP[Pro2296Leu]TPEPPIKPRL

ClinVar aggregate classification (germline): Uncertain significance (1 of 4 stars; one submission).

Conditions:
Cardiovascular phenotype. Identifiers: MedGen CN230736.

Submission:

Ambry Genetics
Classification: Uncertain significance for Cardiovascular phenotype. Last evaluated: 2021-08-26. Review status: criteria provided, single submitter. Criteria: Ambry Variant Classification Scheme 2023. Collection method: clinical testing. Allele origin: germline.
Comment: The p.P2296L variant (also known as c.6887C>T), located in coding exon 19 of the TNXB gene, results from a C to T substitution at nucleotide position 6887. The proline at codon 2296 is replaced by leucine, an amino acid with similar properties. This amino acid position is conserved. In addition, this alteration is predicted to be tolerated by in silico analysis. Since supporting evidence is limited at this time, the clinical significance of this alteration remains unclear.